The following is an entry in ClinVar:

NM_000138.5(FBN1):c.197A>T (p.Tyr66Phe)

Gene: FBN1 (fibrillin 1; minus strand). Cytogenetic location: 15q21.1.
Variant type: single nucleotide variant.
Coding change: c.197A>T on transcript NM_000138.5 (MANE Select); coding-DNA position 197, A replaced by T.
Protein change: p.Tyr66Phe; replaces tyrosine 66 with phenylalanine.
Molecular consequence: missense variant.
Genome position (GRCh38, 1-based): chr15:48,613,060, T>A on the plus strand (A>T on the coding strand, the complement: FBN1 is on the minus strand). VCF-style: chr15-48613060-T-A. GRCh37 (hg19) VCF-style: chr15-48905257-T-A.
Other names: c.197A>T, p.Tyr66Phe (NM_001406717.1, NM_001406716.1); short protein forms Y66F.
Identifiers: ClinVar variation 2928499 (VCV002928499.3), dbSNP rs774371494, ClinGen allele CA046551.

ClinVar aggregate classification (germline): Uncertain significance (1 of 4 stars; one submission).

Conditions:
Marfan syndrome (MFS). Also called: MARFAN SYNDROME, TYPE I; Marfan syndrome type 1; Marfan's syndrome; Marfan syndrome, classic; FBN1-Related Marfan Syndrome. Identifiers: Orphanet 284963, Orphanet 558, MedGen C0024796, MONDO:0007947, OMIM 154700.
Familial thoracic aortic aneurysm and aortic dissection (TAAD). Also called: Thoracic aortic aneurysms and dissections. Identifiers: Orphanet 91387, MedGen C4707243, MONDO:0019625.

Allele frequency attached by ClinVar (database versions not stated): gnomAD exomes below 0.00001; ExAC 0.00001.
gnomAD v4.1: 3 of 1,613,504 alleles (0.00019%); highest among the groups gnomAD compares: South Asian, 0.0033%; no homozygotes.

Submission:

Labcorp Genetics (formerly Invitae), Labcorp
Classification: Uncertain significance for Marfan syndrome; Familial thoracic aortic aneurysm and aortic dissection. Last evaluated: 2023-07-28. Review status: criteria provided, single submitter. Criteria: Invitae Variant Classification Sherloc (09022015). Collection method: clinical testing. Allele origin: germline.
Comment: This sequence change replaces tyrosine, which is neutral and polar, with phenylalanine, which is neutral and non-polar, at codon 66 of the FBN1 protein (p.Tyr66Phe). This variant is present in population databases (rs774371494, gnomAD 0.003%). This variant has not been reported in the literature in individuals affected with FBN1-related conditions. Advanced modeling of protein sequence and biophysical properties (such as structural, functional, and spatial information, amino acid conservation, physicochemical variation, residue mobility, and thermodynamic stability) has been performed at Invitae for this missense variant, however the output from this modeling did not meet the statistical confidence thresholds required to predict the impact of this variant on FBN1 protein function. In summary, the available evidence is currently insufficient to determine the role of this variant in disease. Therefore, it has been classified as a Variant of Uncertain Significance.